The following is an entry in ClinVar:

ClinVar aggregate classification (germline): Uncertain significance (1 of 4 stars; one submission).

Submission:

GeneDx
Classification: Uncertain significance. Last evaluated: 2013-10-16. Review status: criteria provided, single submitter. Criteria: GeneDx Variant Classification (06012015). Collection method: clinical testing. Allele origin: germline. Affected: yes.
Comment: p.Pro21Ser (CCG>TCG): c.61 C>T in exon 1 of the CLN5 gene (NM_006493.2). The Pro21Ser missense change was previously reported in a patient with a clinical suspicion of juvenile neuronal ceroid lipofuscinosis who did not have a second identifiable mutation in the CLN5 gene (Kousi et al., 2012). It has also been observed previously at GeneDx in several other patients who did not have a second detectable mutation in the CLN5 gene. The amino acid substitution is non-conservative, as a non-polar Proline residue is replaced by a polar Serine reside, and the loss of a bulky Proline may alter the secondary structure of the protein. However, it alters a position in the signal peptide that is not conserved across species or in related proteins, and mutations have not been reported at nearby codons (Kousi et al., 2012). One in silico model suggests Pro21Ser may be damaging to protein structure/function but others predict it is likely not pathogenic. Therefore, based on the currently available information, it is unclear whether Pro21Ser is a disease-causing mutation or a rare benign variant. The variant is found in EPILEPSY panel(s).

NM_018100.4(EFHC1):c.1270G>T (p.Ala424Ser)

Gene: EFHC1 (EF-hand domain containing 1; plus strand). Cytogenetic location: 6p12.2.
Variant type: single nucleotide variant.
Coding change: c.1270G>T on transcript NM_018100.4 (MANE Select); coding-DNA position 1270, G replaced by T.
Protein change: p.Ala424Ser; replaces alanine 424 with serine.
Molecular consequence: missense variant. On other transcripts: non-coding transcript variant (1).
Genome position (GRCh38, 1-based): chr6:52,469,465, G>T. VCF-style: chr6-52469465-G-T. GRCh37 (hg19) VCF-style: chr6-52334263-G-T.
Other names: p.A424S:GCT>TCT; c.1213G>T, p.Ala405Ser (NM_001172420.2); short protein forms A424S, A405S.
Identifiers: ClinVar variation 205408 (VCV000205408.2), dbSNP rs796052418, ClinGen allele CA314450.
Genomic context (GRCh38, chr6:52,469,465, plus strand): 5'-GCTCCAAAAAAAGACGTTATTAAAATGCTGGTGAATGATAACAAGGTGCTTCGTTATTTG[G>T]CTGTACTGGTGAGGCTAATTTTTATATACTAAAGATTCTCTTCTATCTCAGTACTGTGTA-3'
Protein context (NP_060570.2, residues 414-434): VNDNKVLRYL[Ala424Ser]VLESPIPEDK